The following is an entry in ClinVar:

NM_001128178.3(NPHP1):c.472A>T (p.Ile158Phe)

Gene: NPHP1 (nephrocystin 1; minus strand). Cytogenetic location: 2q13.
Variant type: single nucleotide variant.
Coding change: c.472A>T on transcript NM_001128178.3 (MANE Select); coding-DNA position 472, A replaced by T.
Protein change: p.Ile158Phe; replaces isoleucine 158 with phenylalanine.
Molecular consequence: missense variant.
Genome position (GRCh38, 1-based): chr2:110,169,856, T>A on the plus strand (A>T on the coding strand, the complement: NPHP1 is on the minus strand). VCF-style: chr2-110169856-T-A. GRCh37 (hg19) VCF-style: chr2-110927433-T-A.
Other names: c.472A>T, p.Ile158Phe (NM_000272.5, NM_001374256.1, NM_001374257.1 and 1 more transcripts); c.286A>T, p.Ile96Phe (NM_001128179.3); short protein forms I158F, I96F.
Identifiers: ClinVar variation 2115652 (VCV002115652.4), dbSNP rs745768183, ClinGen allele CA348092883.

ClinVar aggregate classification (germline): Uncertain significance (1 of 4 stars; one submission).

Conditions:
Nephronophthisis. Also called: Juvenile Nephronophthisis. Identifiers: Orphanet 655, MedGen C0687120, MONDO:0019005, HP:0000090.

Submission:

Labcorp Genetics (formerly Invitae), Labcorp
Classification: Uncertain significance for Nephronophthisis. Last evaluated: 2022-08-23. Review status: criteria provided, single submitter. Criteria: Invitae Variant Classification Sherloc (09022015). Collection method: clinical testing. Allele origin: germline.
Comment: In summary, the available evidence is currently insufficient to determine the role of this variant in disease. Therefore, it has been classified as a Variant of Uncertain Significance. Algorithms developed to predict the effect of missense changes on protein structure and function output the following: SIFT: "Deleterious"; PolyPhen-2: "Benign"; Align-GVGD: "Class C0". The phenylalanine amino acid residue is found in multiple mammalian species, which suggests that this missense change does not adversely affect protein function. This variant has not been reported in the literature in individuals affected with NPHP1-related conditions. This variant is not present in population databases (gnomAD no frequency). This sequence change replaces isoleucine, which is neutral and non-polar, with phenylalanine, which is neutral and non-polar, at codon 158 of the NPHP1 protein (p.Ile158Phe).